The following is an entry in ClinVar:

NM_000016.6(ACADM):c.659C>G (p.Thr220Ser)

Gene: ACADM (acyl-CoA dehydrogenase medium chain; plus strand). Cytogenetic location: 1p31.1.
Variant type: single nucleotide variant.
Coding change: c.659C>G on transcript NM_000016.6 (MANE Select); coding-DNA position 659, C replaced by G.
Protein change: p.Thr220Ser; replaces threonine 220 with serine.
Molecular consequence: missense variant.
Genome position (GRCh38, 1-based): chr1:75,745,865, C>G. VCF-style: chr1-75745865-C-G. GRCh37 (hg19) VCF-style: chr1-76211550-C-G.
Other names: c.671C>G, p.Thr224Ser (NM_001127328.3); c.551C>G, p.Thr184Ser (NM_001286042.2); c.758C>G, p.Thr253Ser (NM_001286043.2); c.92C>G, p.Thr31Ser (NM_001286044.2); short protein forms T220S, T31S, T184S, T224S, T253S.
Identifiers: ClinVar variation 1985821 (VCV001985821.4), dbSNP rs766249735, ClinGen allele CA340816069.

ClinVar aggregate classification (germline): Likely pathogenic (1 of 4 stars; one submission).

Conditions:
Medium-chain acyl-coenzyme A dehydrogenase deficiency (ACADMD). Also called: MCAD Deficiency; CARNITINE DEFICIENCY SECONDARY TO MEDIUM-CHAIN ACYL-CoA DEHYDROGENASE DEFICIENCY; ACADM DEFICIENCY; MCADH DEFICIENCY; Medium chain acyl-CoA dehydrogenase deficiency; MCADD. Identifiers: Orphanet 42, MedGen C0220710, MONDO:0008721, OMIM 201450.

Submission:

Labcorp Genetics (formerly Invitae), Labcorp
Classification: Likely pathogenic for Medium-chain acyl-coenzyme A dehydrogenase deficiency. Last evaluated: 2023-07-17. Review status: criteria provided, single submitter. Criteria: Invitae Variant Classification Sherloc (09022015). Collection method: clinical testing. Allele origin: germline.
Comment: Advanced modeling of protein sequence and biophysical properties (such as structural, functional, and spatial information, amino acid conservation, physicochemical variation, residue mobility, and thermodynamic stability) performed at Invitae indicates that this missense variant is not expected to disrupt ACADM protein function. In summary, the currently available evidence indicates that the variant is pathogenic, but additional data are needed to prove that conclusively. Therefore, this variant has been classified as Likely Pathogenic. This variant disrupts the p.Thr220 amino acid residue in ACADM. Other variant(s) that disrupt this residue have been determined to be pathogenic (PMID: 20036593, 20434380). This suggests that this residue is clinically significant, and that variants that disrupt this residue are likely to be disease-causing. ClinVar contains an entry for this variant (Variation ID: 1985821). This variant has not been reported in the literature in individuals affected with ACADM-related conditions. This variant is not present in population databases (gnomAD no frequency). This sequence change replaces threonine, which is neutral and polar, with serine, which is neutral and polar, at codon 220 of the ACADM protein (p.Thr220Ser).

Literature cited by the submitters: PubMed 20036593; PubMed 20434380.